The following is an entry in ClinVar:

NM_206996.4(SPAG17):c.6480C>A (p.His2160Gln)

Gene: SPAG17 (sperm associated antigen 17; minus strand). Cytogenetic location: 1p12.
Variant type: single nucleotide variant.
Coding change: c.6480C>A on transcript NM_206996.4 (MANE Select); coding-DNA position 6480, C replaced by A.
Protein change: p.His2160Gln; replaces histidine 2160 with glutamine.
Molecular consequence: missense variant.
Genome position (GRCh38, 1-based): chr1:117,966,661, G>T on the plus strand (C>A on the coding strand, the complement: SPAG17 is on the minus strand). VCF-style: chr1-117966661-G-T. GRCh37 (hg19) VCF-style: chr1-118509284-G-T.
Other names: short protein forms H2160Q.
Identifiers: ClinVar variation 3059563 (VCV003059563.2), dbSNP rs61729969, ClinGen allele CA1032777.

ClinVar aggregate classification (germline): Benign (0 of 4 stars; one submission).

Conditions:
SPAG17-related disorder. Also called: SPAG17-related condition.

Allele frequency attached by ClinVar (database versions not stated): ESP Exome Variant Server 0.01246; TOPMed 0.01864; gnomAD 0.01965; ExAC 0.03247; 1000 Genomes Project 30x 0.05372; 1000 Genomes Project 0.05551.
gnomAD v4.1: 28,358 of 1,613,544 alleles (1.8%); highest among the groups gnomAD compares: South Asian, 12%; 978 homozygotes.

Submission:

PreventionGenetics, part of Exact Sciences
Classification: Benign for SPAG17-related condition. Last evaluated: 2019-10-18. Review status: no assertion criteria provided. Collection method: clinical testing. Allele origin: germline.
Comment: This variant is classified as benign based on ACMG/AMP sequence variant interpretation guidelines (Richards et al. 2015 PMID: 25741868, with internal and published modifications).